The following is an entry in ClinVar:

ClinVar aggregate classification (germline): Uncertain significance (1 of 4 stars; one submission).

Conditions:
Multiple congenital exostosis (EXT). Also called: Hereditary multiple osteochondromas; MULTIPLE CARTILAGINOUS EXOSTOSES; Multiple exostoses; Hereditary multiple exostoses; Hereditary multiple exostosis; Multiple osteochondromas. Identifiers: Orphanet 321, MedGen C0015306, MONDO:0005508, HP:0002762.

Submission:

Labcorp Genetics (formerly Invitae), Labcorp
Classification: Uncertain significance for Multiple congenital exostosis. Last evaluated: 2020-12-06. Review status: criteria provided, single submitter. Criteria: Invitae Variant Classification Sherloc (09022015). Collection method: clinical testing. Allele origin: germline.
Comment: In summary, the available evidence is currently insufficient to determine the role of this variant in disease. Therefore, it has been classified as a Variant of Uncertain Significance. Advanced modeling of protein sequence and biophysical properties (such as structural, functional, and spatial information, amino acid conservation, physicochemical variation, residue mobility, and thermodynamic stability) performed at Invitae indicates that this missense variant is expected to disrupt EXT1 protein function. This variant has not been reported in the literature in individuals with EXT1-related conditions. This variant is not present in population databases (ExAC no frequency). This sequence change replaces aspartic acid with tyrosine at codon 278 of the EXT1 protein (p.Asp278Tyr). The aspartic acid residue is moderately conserved and there is a large physicochemical difference between aspartic acid and tyrosine.

NM_000127.3(EXT1):c.832G>T (p.Asp278Tyr)

Gene: EXT1 (exostosin glycosyltransferase 1; minus strand). Cytogenetic location: 8q24.11.
Variant type: single nucleotide variant.
Coding change: c.832G>T on transcript NM_000127.3 (MANE Select); coding-DNA position 832, G replaced by T.
Protein change: p.Asp278Tyr; replaces aspartic acid 278 with tyrosine.
Molecular consequence: missense variant.
Genome position (GRCh38, 1-based): chr8:118,110,215, C>A on the plus strand (G>T on the coding strand, the complement: EXT1 is on the minus strand). VCF-style: chr8-118110215-C-A. GRCh37 (hg19) VCF-style: chr8-119122454-C-A.
Other names: short protein forms D278Y.
Identifiers: ClinVar variation 1417142 (VCV001417142.8), dbSNP rs2130041549, ClinGen allele CA371914957.